The following is an entry in ClinVar:

ClinVar aggregate classification (germline): Uncertain significance. Review status: criteria provided, multiple submitters, no conflicts (2 of 4 stars). 2 submissions from 2 submitters: Uncertain significance (2). Last evaluated 2022-01-03.

Conditions:
Hereditary cancer-predisposing syndrome. Also called: Hereditary neoplastic syndrome; Tumor predisposition; Neoplastic Syndromes, Hereditary; Hereditary Cancer Syndrome. Identifiers: Orphanet 140162, MedGen C0027672, MeSH D009386, MONDO:0015356.
Tuberous sclerosis 2 (TSC2). Identifiers: Orphanet 805, MedGen C1860707, MONDO:0013199, OMIM 613254.

Submissions (2):

Sema4
Classification: Uncertain significance for Hereditary cancer-predisposing syndrome. Last evaluated: 2022-01-03. Review status: criteria provided, single submitter. Criteria: Sema4 Curation Guidelines. Collection method: curation. Allele origin: germline.
Comment: The TSC2 c.676G>C (p.V226L) variant has not been reported in the literature to our knowledge. This variant has not been reported in the large and broad cohorts of the Genome Aggregation Database (PMID: 32461654). The variant has been reported in ClinVar (Variation ID 952237). Functional studies have not been performed, and in silico predictions of the variant's effect on protein function are inconclusive. The evidence is insufficient to meet ACMG/AMP criteria for classifying the variant as benign or pathogenic. Thus, the clinical significance of this variant is currently uncertain.

Labcorp Genetics (formerly Invitae), Labcorp
Classification: Uncertain significance for Tuberous sclerosis 2. Last evaluated: 2019-06-07. Review status: criteria provided, single submitter. Criteria: Invitae Variant Classification Sherloc (09022015). Collection method: clinical testing. Allele origin: germline.
Comment: In summary, the available evidence is currently insufficient to determine the role of this variant in disease. Therefore, it has been classified as a Variant of Uncertain Significance. Algorithms developed to predict the effect of missense changes on protein structure and function are either unavailable or do not agree on the potential impact of this missense change (SIFT: "Deleterious"; PolyPhen-2: "Possibly Damaging"; Align-GVGD: "Class C0"). This variant has not been reported in the literature in individuals with TSC2-related conditions. This variant is not present in population databases (ExAC no frequency). This sequence change replaces valine with leucine at codon 226 of the TSC2 protein (p.Val226Leu). The valine residue is highly conserved and there is a small physicochemical difference between valine and leucine.

NM_000548.5(TSC2):c.676G>C (p.Val226Leu)

Gene: TSC2 (TSC complex subunit 2; plus strand). Cytogenetic location: 16p13.3.
Variant type: single nucleotide variant.
Coding change: c.676G>C on transcript NM_000548.5 (MANE Select); coding-DNA position 676, G replaced by C.
Protein change: p.Val226Leu; replaces valine 226 with leucine.
Molecular consequence: missense variant.
Genome position (GRCh38, 1-based): chr16:2,056,671, G>C. VCF-style: chr16-2056671-G-C. GRCh37 (hg19) VCF-style: chr16-2106672-G-C.
Other names: c.676G>C, p.Val226Leu (NM_001077183.3, NM_001114382.3, NM_001363528.2 and 3 more transcripts); c.565G>C, p.Val189Leu (NM_001318827.2); c.529G>C, p.Val177Leu (NM_001318829.2); c.76G>C, p.Val26Leu (NM_001318831.2); c.709G>C, p.Val237Leu (NM_001318832.2); short protein forms V226L, V237L, V26L, V177L, V189L.
Identifiers: ClinVar variation 952237 (VCV000952237.11), dbSNP rs2085881555, ClinGen allele CA394312489.